The following is an entry in ClinVar:

ClinVar aggregate classification (germline): Uncertain significance (1 of 4 stars; one submission).

Submission:

Labcorp Genetics (formerly Invitae), Labcorp
Classification: Uncertain significance. Last evaluated: 2023-12-06. Review status: criteria provided, single submitter. Criteria: Invitae Variant Classification Sherloc (09022015). Collection method: clinical testing. Allele origin: germline.
Comment: This sequence change replaces lysine, which is basic and polar, with arginine, which is basic and polar, at codon 3666 of the KMT2A protein (p.Lys3666Arg). This variant is not present in population databases (gnomAD no frequency). This variant has not been reported in the literature in individuals affected with KMT2A-related conditions. Advanced modeling of protein sequence and biophysical properties (such as structural, functional, and spatial information, amino acid conservation, physicochemical variation, residue mobility, and thermodynamic stability) performed at Invitae indicates that this missense variant is not expected to disrupt KMT2A protein function with a negative predictive value of 95%. In summary, the available evidence is currently insufficient to determine the role of this variant in disease. Therefore, it has been classified as a Variant of Uncertain Significance.

NM_001197104.2(KMT2A):c.10997A>G (p.Lys3666Arg)

Gene: KMT2A (lysine methyltransferase 2A; plus strand). Cytogenetic location: 11q23.3.
Variant type: single nucleotide variant.
Coding change: c.10997A>G on transcript NM_001197104.2 (MANE Select); coding-DNA position 10997, A replaced by G.
Protein change: p.Lys3666Arg; replaces lysine 3666 with arginine.
Molecular consequence: missense variant.
Genome position (GRCh38, 1-based): chr11:118,510,044, A>G. VCF-style: chr11-118510044-A-G. GRCh37 (hg19) VCF-style: chr11-118380759-A-G.
Other names: c.11087A>G, p.Lys3696Arg (NM_001412597.1); c.10988A>G, p.Lys3663Arg (NM_005933.4); short protein forms K3663R, K3696R, K3666R.
Identifiers: ClinVar variation 2756289 (VCV002756289.3), dbSNP rs2497054234, ClinGen allele CA382829864.